The following is an entry in ClinVar:

NM_001982.4(ERBB3):c.3567AGA[2] (p.Glu1191del)

Gene: ERBB3 (erb-b2 receptor tyrosine kinase 3; plus strand). Cytogenetic location: 12q13.2.
Variant type: Microsatellite.
Coding change: c.3567AGA[2] on transcript NM_001982.4 (MANE Select); two copies in a row of the 3-base unit AGA starting at c.3567; the reference has three copies in a row; one copy, 3 bases deleted; also written c.3573_3575del.
Protein change: p.Glu1191del; deletes glutamic acid 1191.
Molecular consequence: inframe deletion.
Genome position (GRCh38, 1-based): chr12:56,101,599-56,101,601, AGA deleted; deleting any 3 consecutive bases within chr12:56,101,591-56,101,601 gives the same sequence; the position shown is the placement nearest the transcript's 3' end. VCF-style (leftmost placement, unchanged base first): chr12-56101590-TGAA-T. GRCh37 (hg19) VCF-style: chr12-56495374-TGAA-T.
Other names: c.3565_3567del (NM_001982.3); c.3573_3575del (NM_001982.3); short protein forms E1191del.
Identifiers: ClinVar variation 522965 (VCV000522965.6), dbSNP rs780883720, ClinGen allele CA6623007.

ClinVar aggregate classification (germline): Uncertain significance. Review status: criteria provided, multiple submitters, no conflicts (2 of 4 stars). 2 submissions from 2 submitters: Uncertain significance (2). Last evaluated 2025-01-14.

Conditions:
Lethal congenital contracture syndrome 1 (LCCS1). Also called: MULTIPLE CONTRACTURE SYNDROME, FINNISH TYPE. Identifiers: Orphanet 1486, MedGen C1854664, MONDO:0009670, OMIM 253310.

Submissions (2):

GeneDx
Classification: Uncertain significance. Last evaluated: 2025-01-14. Review status: criteria provided, single submitter. Criteria: GeneDx Variant Classification Process June 2021. Collection method: clinical testing. Allele origin: germline. Affected: yes.
Comment: In-frame deletion of 1 amino acid in a non-repeat region; In silico analysis supports a deleterious effect on protein structure/function; Has not been previously published as pathogenic or benign to our knowledge

Genomic Research Center, Shahid Beheshti University of Medical Sciences
Classification: Uncertain significance for Lethal congenital contracture syndrome 1. Last evaluated: 2017-12-18. Review status: criteria provided, single submitter. Criteria: ACMG Guidelines, 2015. Collection method: clinical testing. Allele origin: inherited. Affected: yes.